The following is an entry in ClinVar:

ClinVar aggregate classification (germline): Uncertain significance (1 of 4 stars; one submission).

Conditions:
Peroxisome biogenesis disorder 2B (PBD2B). Identifiers: Orphanet 44, MedGen C3550234, MONDO:0008736, OMIM 202370.

Allele frequency attached by ClinVar (database versions not stated): ExAC 0.00001; gnomAD 0.00001; gnomAD exomes 0.00001; TOPMed 0.00001.
gnomAD v4.1: 9 of 1,614,048 alleles (0.00056%); highest among the groups gnomAD compares: Non-Finnish European, 0.00076%; no homozygotes.

Submission:

Labcorp Genetics (formerly Invitae), Labcorp
Classification: Uncertain significance for Peroxisome biogenesis disorder 2B. Last evaluated: 2022-08-23. Review status: criteria provided, single submitter. Criteria: Invitae Variant Classification Sherloc (09022015). Collection method: clinical testing. Allele origin: germline.
Comment: This sequence change replaces tyrosine, which is neutral and polar, with cysteine, which is neutral and slightly polar, at codon 560 of the PEX5 protein (p.Tyr560Cys). This variant is present in population databases (rs758308667, gnomAD 0.0009%). This variant has not been reported in the literature in individuals affected with PEX5-related conditions. Algorithms developed to predict the effect of missense changes on protein structure and function (SIFT, PolyPhen-2, Align-GVGD) all suggest that this variant is likely to be disruptive. In summary, the available evidence is currently insufficient to determine the role of this variant in disease. Therefore, it has been classified as a Variant of Uncertain Significance.

NM_001351132.2(PEX5):c.1679A>G (p.Tyr560Cys)

Gene: PEX5 (peroxisomal biogenesis factor 5; plus strand). Cytogenetic location: 12p13.31.
Variant type: single nucleotide variant.
Coding change: c.1679A>G on transcript NM_001351132.2 (MANE Select); coding-DNA position 1679, A replaced by G.
Protein change: p.Tyr560Cys; replaces tyrosine 560 with cysteine.
Molecular consequence: missense variant.
Genome position (GRCh38, 1-based): chr12:7,209,801, A>G. VCF-style: chr12-7209801-A-G. GRCh37 (hg19) VCF-style: chr12-7362397-A-G.
Other names: c.1655A>G, p.Tyr552Cys (NM_000319.5); c.1724A>G, p.Tyr575Cys (NM_001131023.2); c.1568A>G, p.Tyr523Cys (NM_001131024.2, NM_001351124.3, NM_001351126.2 and 7 more transcripts); c.1679A>G, p.Tyr560Cys (NM_001131025.2, NM_001131026.2, NM_001300789.3 and 4 more transcripts); c.1613A>G, p.Tyr538Cys (NM_001351135.3, NM_001351138.2); c.1670A>G, p.Tyr557Cys (NM_001351136.2); c.1544A>G, p.Tyr515Cys (NM_001351139.2, NM_001351140.2, NM_001374649.2); short protein forms Y557C, Y523C, Y575C, Y552C, Y515C, Y538C, Y560C.
Identifiers: ClinVar variation 2164080 (VCV002164080.1), dbSNP rs758308667, ClinGen allele CA6426544.